The following is an entry in ClinVar:

ClinVar aggregate classification (germline): Uncertain significance (1 of 4 stars; one submission).

Conditions:
Oculodentodigital dysplasia, autosomal recessive. Also called: OCULODENTOOSSEOUS DYSPLASIA, AUTOSOMAL RECESSIVE; ODDD, AUTOSOMAL RECESSIVE; ODOD, AUTOSOMAL RECESSIVE. Identifiers: Orphanet 2710, MedGen C2749477, MONDO:0009768, OMIM 257850.

Submission:

Labcorp Genetics (formerly Invitae), Labcorp
Classification: Uncertain significance for Oculodentodigital dysplasia, autosomal recessive. Last evaluated: 2024-11-04. Review status: criteria provided, single submitter. Criteria: Invitae Variant Classification Sherloc (09022015). Collection method: clinical testing. Allele origin: germline.
Comment: This sequence change replaces glutamine, which is neutral and polar, with lysine, which is basic and polar, at codon 58 of the GJA1 protein (p.Gln58Lys). This variant is not present in population databases (gnomAD no frequency). This variant has not been reported in the literature in individuals affected with GJA1-related conditions. Invitae Evidence Modeling of protein sequence and biophysical properties (such as structural, functional, and spatial information, amino acid conservation, physicochemical variation, residue mobility, and thermodynamic stability) indicates that this missense variant is expected to disrupt GJA1 protein function with a positive predictive value of 95%. In summary, the available evidence is currently insufficient to determine the role of this variant in disease. Therefore, it has been classified as a Variant of Uncertain Significance.

NM_000165.5(GJA1):c.172C>A (p.Gln58Lys)

Gene: GJA1 (gap junction protein alpha 1; plus strand). Cytogenetic location: 6q22.31.
Variant type: single nucleotide variant.
Coding change: c.172C>A on transcript NM_000165.5 (MANE Select); coding-DNA position 172, C replaced by A.
Protein change: p.Gln58Lys; replaces glutamine 58 with lysine.
Molecular consequence: missense variant.
Genome position (GRCh38, 1-based): chr6:121,447,019, C>A. VCF-style: chr6-121447019-C-A. GRCh37 (hg19) VCF-style: chr6-121768165-C-A.
Other names: short protein forms Q58K.
Identifiers: ClinVar variation 3653240 (VCV003653240.2).